The following is an entry in ClinVar:

ClinVar aggregate classification (germline): Uncertain significance (1 of 4 stars; one submission).

Conditions:
Hereditary cancer-predisposing syndrome. Also called: Tumor predisposition; Neoplastic Syndromes, Hereditary; Hereditary neoplastic syndrome; Hereditary Cancer Syndrome. Identifiers: Orphanet 140162, MedGen C0027672, MeSH D009386, MONDO:0015356.

Submission:

Ambry Genetics
Classification: Uncertain significance for Hereditary cancer-predisposing syndrome. Last evaluated: 2024-08-29. Review status: criteria provided, single submitter. Criteria: Ambry Variant Classification Scheme 2023. Collection method: clinical testing. Allele origin: germline.
Comment: The c.182+5G>T intronic variant results from a G to T substitution 5 nucleotides after coding exon 1 in the SUFU gene. This nucleotide position is highly conserved in available vertebrate species. In silico splice site analysis predicts that this alteration may weaken the native splice donor site and may result in the creation or strengthening of a novel splice donor site. Based on the available evidence, the clinical significance of this variant remains unclear.

NM_016169.4(SUFU):c.182+5G>T

Gene: SUFU (SUFU negative regulator of hedgehog signaling; plus strand). Cytogenetic location: 10q24.32.
Variant type: single nucleotide variant.
Coding change: c.182+5G>T on transcript NM_016169.4 (MANE Select); 5 bases into the intron after coding-DNA position 182, G replaced by T.
Molecular consequence: intron variant.
Genome position (GRCh38, 1-based): chr10:102,504,339, G>T. VCF-style: chr10-102504339-G-T. GRCh37 (hg19) VCF-style: chr10-104264096-G-T.
Other names: c.182+5G>T (NM_001178133.2).
Identifiers: ClinVar variation 3451125 (VCV003451125.1).